The following is an entry in ClinVar:

NM_003803.4(MYOM1):c.1145_1146inv (p.His382Arg)

Gene: MYOM1 (myomesin 1; minus strand). Cytogenetic location: 18p11.31.
Variant type: Inversion.
Coding change: c.1145_1146inv on transcript NM_003803.4 (MANE Select).
Protein change: p.His382Arg; replaces histidine 382 with arginine.
Molecular consequence: missense variant.
Genome position: GRCh38 VCF-style: chr18-3173966-GT-AC. GRCh37 (hg19) VCF-style: chr18-3173964-GT-AC.
Other names: c.1145_1146inv, p.His382Arg (NM_019856.2); short protein forms H382R.
Identifiers: ClinVar variation 1896042 (VCV001896042.5), ClinGen allele CA2580095430.

ClinVar aggregate classification (germline): Uncertain significance (1 of 4 stars; one submission).

Conditions:
Hypertrophic cardiomyopathy. Also called: HYPERTROPHIC MYOCARDIOPATHY. Identifiers: Orphanet 217569, MedGen C0007194, MeSH D002312, MONDO:0005045, HP:0001639.

Submission:

Labcorp Genetics (formerly Invitae), Labcorp
Classification: Uncertain significance for Hypertrophic cardiomyopathy. Last evaluated: 2025-01-14. Review status: criteria provided, single submitter. Criteria: Invitae Variant Classification Sherloc (09022015). Collection method: clinical testing. Allele origin: germline.
Comment: This sequence change replaces histidine, which is basic and polar, with arginine, which is basic and polar, at codon 382 of the MYOM1 protein (p.His382Arg). The frequency data for this variant in the population databases is considered unreliable, as metrics indicate poor data quality at this position in the gnomAD database. This variant has not been reported in the literature in individuals affected with MYOM1-related conditions. ClinVar contains an entry for this variant (Variation ID: 1896042). An algorithm developed to predict the effect of missense changes on protein structure and function (PolyPhen-2) suggests that this variant is likely to be tolerated. In summary, the available evidence is currently insufficient to determine the role of this variant in disease. Therefore, it has been classified as a Variant of Uncertain Significance.